The following is an entry in ClinVar:

ClinVar aggregate classification (germline): Uncertain significance (1 of 4 stars; one submission).

Conditions:
RYR1-related disorder. Also called: RYR1-related condition; RYR1-related disorders. Identifiers: MedGen CN239331.

Submission:

Labcorp Genetics (formerly Invitae), Labcorp
Classification: Uncertain significance for RYR1-related disorder. Last evaluated: 2024-08-29. Review status: criteria provided, single submitter. Criteria: Invitae Variant Classification Sherloc (09022015). Collection method: clinical testing. Allele origin: germline.
Comment: This sequence change replaces leucine, which is neutral and non-polar, with proline, which is neutral and non-polar, at codon 3902 of the RYR1 protein (p.Leu3902Pro). This variant is not present in population databases (gnomAD no frequency). This variant has not been reported in the literature in individuals affected with RYR1-related conditions. Invitae Evidence Modeling of protein sequence and biophysical properties (such as structural, functional, and spatial information, amino acid conservation, physicochemical variation, residue mobility, and thermodynamic stability) indicates that this missense variant is expected to disrupt RYR1 protein function with a positive predictive value of 95%. In summary, the available evidence is currently insufficient to determine the role of this variant in disease. Therefore, it has been classified as a Variant of Uncertain Significance.

NM_000540.3(RYR1):c.11705T>C (p.Leu3902Pro)

Gene: RYR1 (ryanodine receptor 1; plus strand). Cytogenetic location: 19q13.2.
Variant type: single nucleotide variant.
Coding change: c.11705T>C on transcript NM_000540.3 (MANE Select); coding-DNA position 11705, T replaced by C.
Protein change: p.Leu3902Pro; replaces leucine 3902 with proline.
Molecular consequence: missense variant.
Genome position (GRCh38, 1-based): chr19:38,543,362, T>C. VCF-style: chr19-38543362-T-C. GRCh37 (hg19) VCF-style: chr19-39034002-T-C.
Other names: c.11690T>C, p.Leu3897Pro (NM_001042723.2); short protein forms L3902P, L3897P.
Identifiers: ClinVar variation 3636245 (VCV003636245.2).